The following is an entry in ClinVar:

ClinVar aggregate classification (germline): Uncertain significance (1 of 4 stars; one submission).

Conditions:
Familial sleep-related hypermotor epilepsy. Also called: Autosomal Dominant Sleep-Related Hypermotor (Hyperkinetic) Epilepsy. Identifiers: Orphanet 98784, MedGen C3696898, MONDO:0000030.

Submission:

Labcorp Genetics (formerly Invitae), Labcorp
Classification: Uncertain significance. Last evaluated: 2021-03-21. Review status: criteria provided, single submitter. Criteria: Invitae Variant Classification Sherloc (09022015). Collection method: clinical testing. Allele origin: germline.
Comment: In summary, the available evidence is currently insufficient to determine the role of this variant in disease. Therefore, it has been classified as a Variant of Uncertain Significance. Advanced modeling of protein sequence and biophysical properties (such as structural, functional, and spatial information, amino acid conservation, physicochemical variation, residue mobility, and thermodynamic stability) performed at Invitae indicates that this missense variant is not expected to disrupt CHRNB2 protein function. This variant has not been reported in the literature in individuals with CHRNB2-related conditions. This variant is not present in population databases (ExAC no frequency). This sequence change replaces phenylalanine with leucine at codon 339 of the CHRNB2 protein (p.Phe339Leu). The phenylalanine residue is highly conserved and there is a small physicochemical difference between phenylalanine and leucine.

NM_000748.3(CHRNB2):c.1017C>A (p.Phe339Leu)

Gene: CHRNB2 (cholinergic receptor nicotinic beta 2 subunit; plus strand). Cytogenetic location: 1q21.3.
Variant type: single nucleotide variant.
Coding change: c.1017C>A on transcript NM_000748.3 (MANE Select); coding-DNA position 1017, C replaced by A.
Protein change: p.Phe339Leu; replaces phenylalanine 339 with leucine.
Molecular consequence: missense variant.
Genome position (GRCh38, 1-based): chr1:154,571,840, C>A. VCF-style: chr1-154571840-C-A. GRCh37 (hg19) VCF-style: chr1-154544316-C-A.
Other names: short protein forms F339L.
Identifiers: ClinVar variation 1463216 (VCV001463216.8), dbSNP rs756041212, ClinGen allele CA342631312.